The following is an entry in ClinVar:

ClinVar aggregate classification (germline): Uncertain significance (1 of 4 stars; one submission).

Conditions:
SCAPER-related disorder. Also called: SCAPER-related condition.

gnomAD v4.1: 1 of 1,613,064 alleles (0.000062%); highest among the groups gnomAD compares: Non-Finnish European, 0.000085%; no homozygotes.

Submission:

PreventionGenetics, part of Exact Sciences
Classification: Uncertain significance for SCAPER-related condition. Last evaluated: 2026-06-25. Review status: criteria provided, single submitter. Criteria: ACMG Guidelines, 2015. Collection method: clinical testing. Allele origin: germline.
Comment: The SCAPER c.2912A>C variant is predicted to result in the amino acid substitution p.His971Pro. To our knowledge, this variant has not been reported in the literature or in a large population database (gnomAD), indicating this variant is rare. In the NM_020843 transcript this variant is referred to as c.2894A>C (p.His965Pro). At this time, the clinical significance of this variant is uncertain due to the absence of conclusive functional and genetic evidence.

NM_020843.4(SCAPER):c.2894A>C (p.His965Pro)

Gene: SCAPER (S-phase cyclin A associated protein in the ER; minus strand). Cytogenetic location: 15q24.3.
Variant type: single nucleotide variant.
Coding change: c.2894A>C on transcript NM_020843.4 (MANE Select); coding-DNA position 2894, A replaced by C.
Protein change: p.His965Pro; replaces histidine 965 with proline.
Molecular consequence: missense variant. On other transcripts: non-coding transcript variant (1).
Genome position (GRCh38, 1-based): chr15:76,504,919, T>G on the plus strand (A>C on the coding strand, the complement: SCAPER is on the minus strand). VCF-style: chr15-76504919-T-G. GRCh37 (hg19) VCF-style: chr15-76797260-T-G.
Other names: c.2156A>C, p.His719Pro (NM_001145923.2); c.2912A>C, p.His971Pro (NM_001353009.2); c.2492A>C, p.His831Pro (NM_001353010.2, NM_001353012.2); c.2510A>C, p.His837Pro (NM_001353011.2); short protein forms H831P, H965P, H719P, H837P, H971P.
Identifiers: ClinVar variation 4991757 (VCV004991757.1).